The following is an entry in ClinVar:

ClinVar aggregate classification (germline): Uncertain significance (1 of 4 stars; one submission).

gnomAD v4.1: 1 of 1,610,632 alleles (0.000062%); highest among the groups gnomAD compares: Non-Finnish European, 0.000085%; no homozygotes.

Submission:

Labcorp Genetics (formerly Invitae), Labcorp
Classification: Uncertain significance. Last evaluated: 2026-01-11. Review status: criteria provided, single submitter. Criteria: Invitae Variant Classification Sherloc (09022015). Collection method: clinical testing. Allele origin: germline.
Comment: This sequence change replaces alanine, which is neutral and non-polar, with aspartic acid, which is acidic and polar, at codon 835 of the JAK2 protein (p.Ala835Asp). This variant is not present in population databases (gnomAD no frequency). This variant has not been reported in the literature in individuals affected with JAK2-related conditions. Invitae Evidence Modeling of protein sequence and biophysical properties (such as structural, functional, and spatial information, amino acid conservation, physicochemical variation, residue mobility, and thermodynamic stability) indicates that this missense variant is not expected to disrupt JAK2 protein function with a negative predictive value of 95%. In summary, the available evidence is currently insufficient to determine the role of this variant in disease. Therefore, it has been classified as a Variant of Uncertain Significance.

NM_004972.4(JAK2):c.2504C>A (p.Ala835Asp)

Genes: JAK2 (Janus kinase 2; plus strand), INSL6 (insulin like 6; minus strand). Cytogenetic location: 9p24.1.
Variant type: single nucleotide variant.
Coding change: c.2504C>A on transcript NM_004972.4 (MANE Select); coding-DNA position 2504, C replaced by A.
Protein change: p.Ala835Asp; replaces alanine 835 with aspartic acid.
Molecular consequence: missense variant. On other transcripts: non-coding transcript variant (2).
Genome position (GRCh38, 1-based): chr9:5,081,794, C>A. VCF-style: chr9-5081794-C-A. GRCh37 (hg19) VCF-style: chr9-5081794-C-A.
Other names: c.2504C>A, p.Ala835Asp (NM_001322194.2, NM_001322195.2, NM_001322196.2); c.1289C>A, p.Ala430Asp (NM_001322198.2, NM_001322199.2); c.2057C>A, p.Ala686Asp (NM_001322204.2); short protein forms A686D, A430D, A835D.
Identifiers: ClinVar variation 4748585 (VCV004748585.1).